The following is an entry in ClinVar:

NM_001035.3(RYR2):c.12271_12272delinsAG (p.Ala4091Arg)

Gene: RYR2 (ryanodine receptor 2; plus strand). Cytogenetic location: 1q43.
Variant type: Indel.
Coding change: c.12271_12272delinsAG on transcript NM_001035.3 (MANE Select); coding-DNA positions 12271 to 12272, GC replaced by AG.
Protein change: p.Ala4091Arg; replaces alanine 4091 with arginine.
Molecular consequence: missense variant.
Genome position (GRCh38, 1-based): chr1:237,783,983-237,783,984, GC replaced by AG. VCF-style: chr1-237783983-GC-AG. GRCh37 (hg19) VCF-style: chr1-237947283-GC-AG.
Other names: p.A4091R:GCG>AGG; c.12271_12272delinsAG, p.Ala4091Arg (LRG_402t1); short protein forms A4091R.
Identifiers: ClinVar variation 201410 (VCV000201410.9), dbSNP rs794728837, ClinGen allele CA007401.
Genomic context (GRCh38, chr1:237,783,983, plus strand): 5'-GAGACGGATGAGAATGAAACCCTCGACTACGAAGAGTTCGTCAAACGCTTCCACGAACCT[GC>AG]GAAGGACATCGGCTTCAACGTCGCCGTCCTTCTGACAAACCTCTCTGAGCACATGCCCAA-3'
Protein context (NP_001026.2, residues 4081-4101): EEFVKRFHEP[Ala4091Arg]KDIGFNVAVL

ClinVar aggregate classification (germline): Conflicting classifications of pathogenicity. Review status: criteria provided, conflicting classifications (1 of 4 stars). 2 submissions from 2 submitters: Pathogenic (1); Uncertain significance (1). Last evaluated 2020-02-22.

Conditions:
Catecholaminergic polymorphic ventricular tachycardia 1. Also called: RYR2-Related Catecholaminergic Polymorphic Ventricular Tachycardia; VENTRICULAR TACHYCARDIA, CATECHOLAMINERGIC POLYMORPHIC, 1, WITH OR WITHOUT ATRIAL DYSFUNCTION AND/OR DILATED CARDIOMYOPATHY; VENTRICULAR TACHYCARDIA, STRESS-INDUCED POLYMORPHIC 1. Identifiers: Orphanet 3286, MedGen C1631597, MONDO:0011484, OMIM 604772.

Submissions (2):

Labcorp Genetics (formerly Invitae), Labcorp
Classification: Uncertain significance for Catecholaminergic polymorphic ventricular tachycardia 1. Last evaluated: 2020-02-22. Review status: criteria provided, single submitter. Criteria: Invitae Variant Classification Sherloc (09022015). Collection method: clinical testing. Allele origin: germline.
Comment: In summary, the available evidence is currently insufficient to determine the role of this variant in disease. Therefore, it has been classified as a Variant of Uncertain Significance. This variant disrupts the p.Ala4091 amino acid residue in RYR2. Other variant(s) that disrupt this residue have been determined to be pathogenic (PMID: 19398665, 26132555, 26256814). This suggests that this residue is clinically significant, and that variants that disrupt this residue are likely to be disease-causing. Algorithms developed to predict the effect of sequence changes on RNA splicing suggest that this variant may create or strengthen a splice site, but this prediction has not been confirmed by published transcriptional studies. Algorithms developed to predict the effect of missense changes on protein structure and function are either unavailable or do not agree on the potential impact of this missense change (SIFT: "Not Available"; PolyPhen-2: "Probably Damaging"; Align-GVGD: "Not Available"). This variant has not been reported in the literature in individuals with RYR2-related conditions. ClinVar contains an entry for this variant (Variation ID: 201410). This variant is not present in population databases (ExAC no frequency). This sequence change replaces alanine with arginine at codon 4091 of the RYR2 protein (p.Ala4091Arg). The alanine residue is moderately conserved and there is a moderate physicochemical difference between alanine and arginine.

GeneDx
Classification: Pathogenic. Last evaluated: 2011-09-08. Review status: criteria provided, single submitter. Criteria: GeneDx Variant Classification (06012015). Collection method: clinical testing. Allele origin: germline. Affected: yes.
Comment: This mutation is denoted Ala4091Arg (aka A4091R) at the protein level and c.12271_12272delinsAG at the cDNA level. A deletion of two nucleotides (GC) and insertion of two nucleotides (AG) was identified in exon 90 of the RYR2 gene. The sequence with the bases that are deleted in braces and inserted in brackets is: ACCT{GC}[AG]GAAG. The Ala4091Arg mutation has not been reported previously as a disease-causing mutation or as a benign polymorphism, to our knowledge. This mutation results in a non-conservative amino acid substitution of a non-polar Alanine with a positively charged Arginine. Ala4091Arg occurs in one of the three "hot-spot" domains where mutations are located throughout the RYR2 gene (Medeiros-Domingo A et al., 2009). In silico analysis predicts Ala4091Arg to be probably damaging to the protein structure/function (Adzhubei IA et al., 2010; Schwarz JM et al., 2011). Additionally, other mutations at this codon (Ala4091Val, Ala4091Thr) and in a nearby codon (Asn4097Ser) have been reported in association with CPVT and ventricular tachycardia (Hayashi M. et al., 2009), further supporting the functional importance of this position and region of the protein. Therefore, the presence of Ala4091Arg in the RYR2 gene is likely consistent with a diagnosis of CPVT. The variant is found in CPVT panel(s).

Literature cited by the submitters: PubMed 19398665 (cited by Labcorp Genetics (formerly Invitae), Labcorp); PubMed 26132555 (cited by Labcorp Genetics (formerly Invitae), Labcorp); PubMed 26256814 (cited by Labcorp Genetics (formerly Invitae), Labcorp).